The following is an entry in ClinVar:

NM_006929.5(SKIC2):c.1662C>G (p.Tyr554Ter)

Gene: SKIC2 (SKI2 subunit of superkiller complex; plus strand). Cytogenetic location: 6p21.33.
Variant type: single nucleotide variant.
Coding change: c.1662C>G on transcript NM_006929.5 (MANE Select); coding-DNA position 1662, C replaced by G.
Protein change: p.Tyr554Ter; replaces tyrosine 554 with a stop codon.
Molecular consequence: nonsense.
Genome position (GRCh38, 1-based): chr6:31,963,927, C>G. VCF-style: chr6-31963927-C-G. GRCh37 (hg19) VCF-style: chr6-31931704-C-G.
Other names: short protein forms Y554*.
Identifiers: ClinVar variation 3639680 (VCV003639680.2).

ClinVar aggregate classification (germline): Pathogenic (1 of 4 stars; one submission).

Submission:

Labcorp Genetics (formerly Invitae), Labcorp
Classification: Pathogenic. Last evaluated: 2024-02-08. Review status: criteria provided, single submitter. Criteria: Invitae Variant Classification Sherloc (09022015). Collection method: clinical testing. Allele origin: germline.
Comment: This sequence change creates a premature translational stop signal (p.Tyr554*) in the SKIV2L gene. It is expected to result in an absent or disrupted protein product. Loss-of-function variants in SKIV2L are known to be pathogenic (PMID: 22444670). This variant is not present in population databases (gnomAD no frequency). This variant has not been reported in the literature in individuals affected with SKIV2L-related conditions. For these reasons, this variant has been classified as Pathogenic.

Literature cited by the submitters: PubMed 22444670.